The following is an entry in ClinVar:

NM_001370259.2(MEN1):c.1651del (p.Leu551fs)

Gene: MEN1 (menin 1; minus strand). Cytogenetic location: 11q13.1.
Variant type: Deletion.
Coding change: c.1651del on transcript NM_001370259.2 (MANE Select); coding-DNA position 1651, one base deleted (C; older notation c.1651delC).
Protein change: p.Leu551fs; shifts the reading frame from leucine 551.
Molecular consequence: frameshift variant.
Genome position (GRCh38, 1-based): chr11:64,804,516, G deleted on the plus strand (C on the coding strand, the reverse complement: MEN1 is on the minus strand). VCF-style (leftmost placement, unchanged base first): chr11-64804515-AG-A. GRCh37 (hg19) VCF-style: chr11-64571987-AG-A.
Other names: c.1666del, p.Leu556fs (NM_000244.4, NM_130800.3, NM_130801.3 and 3 more transcripts); c.1777del, p.Leu593fs (NM_001370251.2); c.1651del, p.Leu551fs (NM_001370260.2, NM_001370261.2, NM_130799.3); c.1546del, p.Leu516fs (NM_001370262.2, NM_001370263.2); c.1651delC (NM_130799.2); short protein forms L593fs, L516fs, L551fs, L556fs.
Identifiers: ClinVar variation 201003 (VCV000201003.2), dbSNP rs794728645, ClinGen allele CA009255.

ClinVar aggregate classification (germline): Pathogenic (1 of 4 stars; one submission).

Submission:

GeneDx
Classification: Pathogenic. Last evaluated: 2014-05-30. Review status: criteria provided, single submitter. Criteria: GeneDx Variant Classification (06012015). Collection method: clinical testing. Allele origin: germline. Affected: yes.
Comment: p.Leu551SerfsX8 (L551SfsX8) : c.1651delC in exon 10 of the MEN1 gene (NM_130799.2). The normal sequence with the base that is deleted in braces is: AGTG{C}TCAC. The c.1651delC mutation in the MEN1 gene causes a frameshift starting with codon Leucine 551, changes this amino acid to a Serine residue and creates a premature Stop codon at position 8 of the new reading frame, denoted p.Leu551SerfsX8. This mutation is predicted to cause loss of normal protein function through protein truncation, as the last 60 normal amino acids of the MEN1 protein are replaced with 7 aberrant amino acids. Although this mutation has not been previously reported to our knowledge, its presence is consistent with the risk to develop features of multiple endocrine neoplasia type 1. The variant is found in MEN1 panel(s).